The following is an entry in ClinVar:

NM_016169.4(SUFU):c.826G>A (p.Asp276Asn)

Gene: SUFU (SUFU negative regulator of hedgehog signaling; plus strand). Cytogenetic location: 10q24.32.
Variant type: single nucleotide variant.
Coding change: c.826G>A on transcript NM_016169.4 (MANE Select); coding-DNA position 826, G replaced by A.
Protein change: p.Asp276Asn; replaces aspartic acid 276 with asparagine.
Molecular consequence: missense variant.
Genome position (GRCh38, 1-based): chr10:102,597,209, G>A. VCF-style: chr10-102597209-G-A. GRCh37 (hg19) VCF-style: chr10-104356966-G-A.
Other names: c.826G>A, p.Asp276Asn (NM_001178133.2); short protein forms D276N.
Identifiers: ClinVar variation 2940292 (VCV002940292.3), dbSNP rs1296180292, ClinGen allele CA377910500.

ClinVar aggregate classification (germline): Uncertain significance (1 of 4 stars; one submission).

Conditions:
Gorlin syndrome. Also called: Nevoid Basal Cell Carcinoma Syndrome; Basal cell nevus syndrome. Identifiers: Orphanet 377, MedGen C0004779, MONDO:0007187.
Medulloblastoma (MDB). Also called: MEDULLOBLASTOMA PREDISPOSITION SYNDROME; Medulloblastoma, somatic. Identifiers: Orphanet 616, MedGen C0025149, MeSH D008527, MONDO:0007959, OMIM 155255, HP:0002885.

Allele frequency attached by ClinVar (database versions not stated): gnomAD exomes below 0.00001.
gnomAD v4.1: 1 of 1,613,994 alleles (0.000062%); highest among the groups gnomAD compares: Non-Finnish European, 0.000085%; no homozygotes.

Submission:

Labcorp Genetics (formerly Invitae), Labcorp
Classification: Uncertain significance for Gorlin syndrome; Medulloblastoma. Last evaluated: 2023-01-15. Review status: criteria provided, single submitter. Criteria: Invitae Variant Classification Sherloc (09022015). Collection method: clinical testing. Allele origin: germline.
Comment: In summary, the available evidence is currently insufficient to determine the role of this variant in disease. Therefore, it has been classified as a Variant of Uncertain Significance. Advanced modeling of protein sequence and biophysical properties (such as structural, functional, and spatial information, amino acid conservation, physicochemical variation, residue mobility, and thermodynamic stability) performed at Invitae indicates that this missense variant is not expected to disrupt SUFU protein function. This variant has not been reported in the literature in individuals affected with SUFU-related conditions. This variant is not present in population databases (gnomAD no frequency). This sequence change replaces aspartic acid, which is acidic and polar, with asparagine, which is neutral and polar, at codon 276 of the SUFU protein (p.Asp276Asn).